The following is an entry in ClinVar:

NM_018180.3(DHX32):c.586G>A (p.Val196Met)

Gene: DHX32 (DEAH-box helicase 32 (putative); minus strand). Cytogenetic location: 10q26.2.
Variant type: single nucleotide variant.
Coding change: c.586G>A on transcript NM_018180.3 (MANE Select); coding-DNA position 586, G replaced by A.
Protein change: p.Val196Met; replaces valine 196 with methionine.
Molecular consequence: missense variant.
Genome position (GRCh38, 1-based): chr10:125,859,866, C>T on the plus strand (G>A on the coding strand, the complement: DHX32 is on the minus strand). VCF-style: chr10-125859866-C-T. GRCh37 (hg19) VCF-style: chr10-127548435-C-T.
Other names: short protein forms V196M.
Identifiers: ClinVar variation 4770862 (VCV004770862.1).
Genomic context (GRCh38, chr10:125,859,866, plus strand): 5'-TAATTATGAGCTTCAGTTCTGGTCTTGCTAGTAAAACATCTTTAAGAAGTCCAAGTAACA[C>T]ATCAGTTGCAATGCTTCTTTCATGAATATCATCTAAGATGATGACCCCATAGCTACCCAA-3'
Protein context (NP_060650.2, residues 186-206): DIHERSIATD[Val196Met]LLGLLKDVLL

ClinVar aggregate classification (germline): Uncertain significance (1 of 4 stars; one submission).

gnomAD v4.1: 5 of 1,614,084 alleles (0.00031%); highest among the groups gnomAD compares: Non-Finnish European, 0.00042%; no homozygotes.

Submission:

Labcorp Genetics (formerly Invitae), Labcorp
Classification: Uncertain significance. Last evaluated: 2025-03-01. Review status: criteria provided, single submitter. Criteria: Invitae Variant Classification Sherloc (09022015). Collection method: clinical testing. Allele origin: germline.
Comment: This sequence change replaces valine, which is neutral and non-polar, with methionine, which is neutral and non-polar, at codon 196 of the DHX32 protein (p.Val196Met). This variant is not present in population databases (gnomAD no frequency). This variant has not been reported in the literature in individuals affected with DHX32-related conditions. An algorithm developed to predict the effect of missense changes on protein structure and function (PolyPhen-2) suggests that this variant is likely to be disruptive. In summary, the available evidence is currently insufficient to determine the role of this variant in disease. Therefore, it has been classified as a Variant of Uncertain Significance.